The following is an entry in ClinVar:

NM_001199138.2(NLRC4):c.1551C>A (p.Cys517Ter)

Gene: NLRC4 (NLR family CARD domain containing 4; minus strand). Cytogenetic location: 2p22.3.
Variant type: single nucleotide variant.
Coding change: c.1551C>A on transcript NM_001199138.2 (MANE Select); coding-DNA position 1551, C replaced by A.
Protein change: p.Cys517Ter; replaces cysteine 517 with a stop codon.
Molecular consequence: nonsense. On other transcripts: intron variant (1).
Genome position (GRCh38, 1-based): chr2:32,250,313, G>T on the plus strand (C>A on the coding strand, the complement: NLRC4 is on the minus strand). VCF-style: chr2-32250313-G-T. GRCh37 (hg19) VCF-style: chr2-32475382-G-T.
Other names: c.1551C>A, p.Cys517Ter (NM_001199139.2, NM_021209.5); c.262+2106C>A (NM_001302504.1); short protein forms C517*.
Identifiers: ClinVar variation 1028724 (VCV001028724.1), dbSNP rs1687040860, ClinGen allele CA346512223.

ClinVar aggregate classification (germline): Uncertain significance (1 of 4 stars; one submission).

Conditions:
Familial cold autoinflammatory syndrome 4 (FCAS4). Identifiers: Orphanet 47045, Orphanet 576349, MedGen C4015276, MONDO:0014498, OMIM 616115.

Submission:

Baylor Genetics
Classification: Uncertain significance for Familial cold autoinflammatory syndrome 4. Last evaluated: 2019-07-04. Review status: criteria provided, single submitter. Criteria: ACMG Guidelines, 2015. Collection method: clinical testing. Allele origin: unknown. Affected: yes.
Comment: This variant was determined to be of uncertain significance according to ACMG Guidelines, 2015 [PMID:25741868].